The following is an entry in ClinVar:

NM_001127222.2(CACNA1A):c.1412A>C (p.Lys471Thr)

Gene: CACNA1A (calcium voltage-gated channel subunit alpha1 A; minus strand). Cytogenetic location: 19p13.13.
Variant type: single nucleotide variant.
Coding change: c.1412A>C on transcript NM_001127222.2 (MANE Select); coding-DNA position 1412, A replaced by C.
Protein change: p.Lys471Thr; replaces lysine 471 with threonine.
Molecular consequence: missense variant.
Genome position (GRCh38, 1-based): chr19:13,317,255, T>G on the plus strand (A>C on the coding strand, the complement: CACNA1A is on the minus strand). VCF-style: chr19-13317255-T-G. GRCh37 (hg19) VCF-style: chr19-13428069-T-G.
Other names: c.1415A>C, p.Lys472Thr (NM_000068.4, NM_001127221.2, NM_001174080.2 and 1 more transcripts); short protein forms K471T, K472T.
Identifiers: ClinVar variation 4085432 (VCV004085432.8).

ClinVar aggregate classification (germline): Uncertain significance (1 of 4 stars; one submission).

Submission:

CeGaT Center for Human Genetics Tuebingen
Classification: Uncertain significance. Last evaluated: 2025-07-01. Review status: criteria provided, single submitter. Criteria: CeGaT Center For Human Genetics Tuebingen Variant Classification Criteria Version 2. Collection method: clinical testing. Allele origin: germline. Affected: yes. Observed: 1 variant allele.
Comment: CACNA1A: PM2